The following is an entry in ClinVar:

ClinVar aggregate classification (germline): Uncertain significance (1 of 4 stars; one submission).

Conditions:
Hereditary cancer-predisposing syndrome. Also called: Neoplastic Syndromes, Hereditary; Tumor predisposition; Hereditary Cancer Syndrome; Hereditary neoplastic syndrome. Identifiers: Orphanet 140162, MedGen C0027672, MeSH D009386, MONDO:0015356.

Submission:

Color Diagnostics, LLC DBA Color Health
Classification: Uncertain significance for Hereditary cancer-predisposing syndrome. Last evaluated: 2024-03-06. Review status: criteria provided, single submitter. Criteria: ACMG Guidelines, 2015. Collection method: clinical testing. Allele origin: germline.
Comment: This missense variant replaces serine with isoleucine at codon 372 of the PALB2 protein. Computational prediction suggests that this variant may not impact protein structure and function (internally defined REVEL score threshold <= 0.5, PMID: 27666373). Splice site prediction tools suggest that this variant may not impact RNA splicing. To our knowledge, functional studies have not been performed for this variant. This variant has not been reported in individuals affected with hereditary cancer in the literature. This variant has not been identified in the general population by the Genome Aggregation Database (gnomAD). The available evidence is insufficient to determine the role of this variant in disease conclusively. Therefore, this variant is classified as a Variant of Uncertain Significance.

NM_024675.4(PALB2):c.1115G>T (p.Ser372Ile)

Gene: PALB2 (partner and localizer of BRCA2; minus strand). Cytogenetic location: 16p12.2.
Variant type: single nucleotide variant.
Coding change: c.1115G>T on transcript NM_024675.4 (MANE Select); coding-DNA position 1115, G replaced by T.
Protein change: p.Ser372Ile; replaces serine 372 with isoleucine.
Molecular consequence: missense variant.
Genome position (GRCh38, 1-based): chr16:23,635,431, C>A on the plus strand (G>T on the coding strand, the complement: PALB2 is on the minus strand). VCF-style: chr16-23635431-C-A. GRCh37 (hg19) VCF-style: chr16-23646752-C-A.
Other names: short protein forms S372I.
Identifiers: ClinVar variation 919873 (VCV000919873.4), dbSNP rs786204243, ClinGen allele CA395133743.